The following is an entry in ClinVar:

NM_000821.7(GGCX):c.1454G>C (p.Arg485Pro)

Gene: GGCX (gamma-glutamyl carboxylase; minus strand). Cytogenetic location: 2p11.2.
Variant type: single nucleotide variant.
Coding change: c.1454G>C on transcript NM_000821.7 (MANE Select); coding-DNA position 1454, G replaced by C.
Protein change: p.Arg485Pro; replaces arginine 485 with proline.
Molecular consequence: missense variant.
Genome position (GRCh38, 1-based): chr2:85,551,967, C>G on the plus strand (G>C on the coding strand, the complement: GGCX is on the minus strand). VCF-style: chr2-85551967-C-G. GRCh37 (hg19) VCF-style: chr2-85779090-C-G.
Other names: c.1283G>C, p.Arg428Pro (NM_001142269.4); short protein forms R485P, R428P.
Identifiers: ClinVar variation 16197 (VCV000016197.4), dbSNP rs121909676, ClinGen allele CA126264.

ClinVar aggregate classification (germline): Pathogenic. Review status: criteria provided, single submitter (1 of 4 stars). 2 submissions from 2 submitters: Pathogenic (1). 1 of the submissions does not count toward it. Last evaluated 2023-10-24.

Conditions:
Vitamin K-dependent clotting factors, combined deficiency of, type 1. Also called: GLUTAMIC ACID, DEFICIENT GAMMA-CARBOXYLATION OF; MULTIPLE COAGULATION FACTOR DEFICIENCY III; FACTORS II, VII, IX, AND X, COMBINED DEFICIENCY OF; FAMILIAL MULTIPLE COAGULATION FACTOR DEFICIENCY III; FMFD III; VITAMIN K-DEPENDENT COAGULATION DEFECT. Identifiers: Orphanet 98434, MedGen C1848534, MONDO:0010187, OMIM 277450.

Allele frequency attached by ClinVar (database versions not stated): TOPMed 0.00001.
gnomAD v4.1: 24 of 1,613,714 alleles (0.0015%); highest among the groups gnomAD compares: Non-Finnish European, 0.0018%; no homozygotes.

Submissions (2):

Labcorp Genetics (formerly Invitae), Labcorp
Classification: Pathogenic. Last evaluated: 2023-10-24. Review status: criteria provided, single submitter. Criteria: Invitae Variant Classification Sherloc (09022015). Collection method: clinical testing. Allele origin: germline.
Comment: This sequence change replaces arginine, which is basic and polar, with proline, which is neutral and non-polar, at codon 485 of the GGCX protein (p.Arg485Pro). This variant is present in population databases (rs121909676, gnomAD 0.007%). This missense change has been observed in individual(s) with autosomal recessive vitamin K-dependent clotting factors deficiency (PMID: 15287948, 16905958, 34816548). In at least one individual the data is consistent with being in trans (on the opposite chromosome) from a pathogenic variant. ClinVar contains an entry for this variant (Variation ID: 16197). An algorithm developed to predict the effect of missense changes on protein structure and function (PolyPhen-2) suggests that this variant is likely to be disruptive. Experimental studies have shown that this missense change affects GGCX function (PMID: 27394683, 34816548). For these reasons, this variant has been classified as Pathogenic.

OMIM
Classification: Pathogenic for VITAMIN K-DEPENDENT CLOTTING FACTORS, COMBINED DEFICIENCY OF, 1. Last evaluated: 2004-08-01. Review status: no assertion criteria provided. Collection method: literature only. Allele origin: germline. Not counted in ClinVar's aggregate classification.

Literature cited by the submitters: PubMed 15287948 (cited by Labcorp Genetics (formerly Invitae), Labcorp and OMIM); PubMed 16905958 (cited by Labcorp Genetics (formerly Invitae), Labcorp); PubMed 34816548 (cited by Labcorp Genetics (formerly Invitae), Labcorp); PubMed 27394683 (cited by Labcorp Genetics (formerly Invitae), Labcorp).